The following is an entry in ClinVar:

ClinVar aggregate classification (germline): Uncertain significance (1 of 4 stars; one submission).

Submission:

Labcorp Genetics (formerly Invitae), Labcorp
Classification: Uncertain significance. Last evaluated: 2025-08-27. Review status: criteria provided, single submitter. Criteria: Invitae Variant Classification Sherloc (09022015). Collection method: clinical testing. Allele origin: germline.
Comment: This sequence change falls in intron 5 of the CLCN7 gene. It does not directly change the encoded amino acid sequence of the CLCN7 protein. This variant is not present in population databases (gnomAD no frequency). This variant has not been reported in the literature in individuals affected with CLCN7-related conditions. Algorithms developed to predict the effect of sequence changes on RNA splicing suggest that this variant may create or strengthen a splice site. In summary, the available evidence is currently insufficient to determine the role of this variant in disease. Therefore, it has been classified as a Variant of Uncertain Significance.

NM_001287.6(CLCN7):c.484+12A>G

Gene: CLCN7 (Cl-/H+ antiporter 7; minus strand). Cytogenetic location: 16p13.3.
Variant type: single nucleotide variant.
Coding change: c.484+12A>G on transcript NM_001287.6 (MANE Select); 12 bases into the intron after coding-DNA position 484, A replaced by G.
Molecular consequence: intron variant.
Genome position (GRCh38, 1-based): chr16:1,460,804, T>C on the plus strand (A>G on the coding strand, the complement: CLCN7 is on the minus strand). VCF-style: chr16-1460804-T-C. GRCh37 (hg19) VCF-style: chr16-1510805-T-C.
Other names: c.412+12A>G (NM_001114331.3).
Identifiers: ClinVar variation 4781746 (VCV004781746.1).
Genomic context (GRCh38, chr16:1,460,804, plus strand): 5'-GGACTTCTGCCCGGGACTCGGCCCAGGCCACGCCCCCCTCCCAAGCTGCAGCGGCCGCAC[T>C]GGGAAGGATACTGCCCTTGATGACCCTGTACTTGAGGCCAGCCAGGTTTTCCACCACGAT-3'